The following is an entry in ClinVar:

ClinVar aggregate classification (germline): Uncertain significance (1 of 4 stars; one submission).

Conditions:
Familial thoracic aortic aneurysm and aortic dissection (TAAD). Also called: Thoracic aortic aneurysms and dissections. Identifiers: Orphanet 91387, MedGen C4707243, MONDO:0019625.

Submission:

Ambry Genetics
Classification: Uncertain significance for Familial thoracic aortic aneurysm and aortic dissection. Last evaluated: 2025-02-23. Review status: criteria provided, single submitter. Criteria: Ambry Variant Classification Scheme 2023. Collection method: clinical testing. Allele origin: germline.
Comment: The p.F433Y variant (also known as c.1298T>A), located in coding exon 11 of the MYH11 gene, results from a T to A substitution at nucleotide position 1298. The phenylalanine at codon 433 is replaced by tyrosine, an amino acid with highly similar properties. This amino acid position is conserved. In addition, this alteration is predicted to be deleterious by in silico analysis. Based on the available evidence, the clinical significance of this variant remains unclear.

NM_002474.3(MYH11):c.1298T>A (p.Phe433Tyr)

Gene: MYH11 (myosin heavy chain 11; minus strand). Cytogenetic location: 16p13.11.
Variant type: single nucleotide variant.
Coding change: c.1298T>A on transcript NM_002474.3 (MANE Select); coding-DNA position 1298, T replaced by A.
Protein change: p.Phe433Tyr; replaces phenylalanine 433 with tyrosine.
Molecular consequence: missense variant.
Genome position (GRCh38, 1-based): chr16:15,759,679, A>T on the plus strand (T>A on the coding strand, the complement: MYH11 is on the minus strand). VCF-style: chr16-15759679-A-T. GRCh37 (hg19) VCF-style: chr16-15853536-A-T.
Other names: c.1319T>A, p.Phe440Tyr (NM_001040113.2, NM_001040114.2); c.1298T>A, p.Phe433Tyr (NM_022844.3); short protein forms F433Y, F440Y.
Identifiers: ClinVar variation 3876304 (VCV003876304.1).